The following is an entry in ClinVar:

NM_032043.3(BRIP1):c.2642T>C (p.Leu881Ser)

Gene: BRIP1 (BRCA1 interacting DNA helicase 1; minus strand). Cytogenetic location: 17q23.2.
Variant type: single nucleotide variant.
Coding change: c.2642T>C on transcript NM_032043.3 (MANE Select); coding-DNA position 2642, T replaced by C.
Protein change: p.Leu881Ser; replaces leucine 881 with serine.
Molecular consequence: missense variant.
Genome position (GRCh38, 1-based): chr17:61,686,099, A>G on the plus strand (T>C on the coding strand, the complement: BRIP1 is on the minus strand). VCF-style: chr17-61686099-A-G. GRCh37 (hg19) VCF-style: chr17-59763460-A-G.
Other names: short protein forms L881S.
Identifiers: ClinVar variation 1366356 (VCV001366356.9), dbSNP rs2061359874, ClinGen allele CA400481881.

ClinVar aggregate classification (germline): Uncertain significance (1 of 4 stars; one submission).

Conditions:
Fanconi anemia complementation group J. Also called: BRIP1-Related Fanconi Anemia. Identifiers: Orphanet 84, MedGen C1836860, MONDO:0012187, OMIM 609054.
Familial cancer of breast. Also called: Hereditary breast cancer; BREAST CANCER, FAMILIAL; hereditary breast carcinoma. Identifiers: Orphanet 227535, MedGen C0346153, MONDO:0016419, OMIM 114480. Disease mechanism: loss of function.

Submission:

Labcorp Genetics (formerly Invitae), Labcorp
Classification: Uncertain significance for Familial cancer of breast; Fanconi anemia complementation group J. Last evaluated: 2021-01-21. Review status: criteria provided, single submitter. Criteria: Invitae Variant Classification Sherloc (09022015). Collection method: clinical testing. Allele origin: germline.
Comment: In summary, the available evidence is currently insufficient to determine the role of this variant in disease. Therefore, it has been classified as a Variant of Uncertain Significance. Advanced modeling of protein sequence and biophysical properties (such as structural, functional, and spatial information, amino acid conservation, physicochemical variation, residue mobility, and thermodynamic stability) performed at Invitae indicates that this missense variant is expected to disrupt BRIP1 protein function. This variant has not been reported in the literature in individuals with BRIP1-related conditions. This variant is not present in population databases (ExAC no frequency). This sequence change replaces leucine with serine at codon 881 of the BRIP1 protein (p.Leu881Ser). The leucine residue is highly conserved and there is a large physicochemical difference between leucine and serine.